The following is an entry in ClinVar:

NM_020754.4(ARHGAP31):c.719C>T (p.Ala240Val)

Gene: ARHGAP31 (Rho GTPase activating protein 31; plus strand). Cytogenetic location: 3q13.33.
Variant type: single nucleotide variant.
Coding change: c.719C>T on transcript NM_020754.4 (MANE Select); coding-DNA position 719, C replaced by T.
Protein change: p.Ala240Val; replaces alanine 240 with valine.
Molecular consequence: missense variant.
Genome position (GRCh38, 1-based): chr3:119,390,821, C>T. VCF-style: chr3-119390821-C-T. GRCh37 (hg19) VCF-style: chr3-119109668-C-T.
Other names: short protein forms A240V.
Identifiers: ClinVar variation 1951470 (VCV001951470.5), dbSNP rs2472844014, ClinGen allele CA354031472.

ClinVar aggregate classification (germline): Uncertain significance (1 of 4 stars; one submission).

Submission:

Labcorp Genetics (formerly Invitae), Labcorp
Classification: Uncertain significance. Last evaluated: 2025-02-24. Review status: criteria provided, single submitter. Criteria: Invitae Variant Classification Sherloc (09022015). Collection method: clinical testing. Allele origin: germline.
Comment: This sequence change replaces alanine, which is neutral and non-polar, with valine, which is neutral and non-polar, at codon 240 of the ARHGAP31 protein (p.Ala240Val). This variant is not present in population databases (gnomAD no frequency). This variant has not been reported in the literature in individuals affected with ARHGAP31-related conditions. ClinVar contains an entry for this variant (Variation ID: 1951470). An algorithm developed to predict the effect of missense changes on protein structure and function outputs the following: PolyPhen-2: "Benign". The valine amino acid residue is found in multiple mammalian species, which suggests that this missense change does not adversely affect protein function. In summary, the available evidence is currently insufficient to determine the role of this variant in disease. Therefore, it has been classified as a Variant of Uncertain Significance.